The following is an entry in ClinVar:

ClinVar aggregate classification (germline): Uncertain significance (1 of 4 stars; one submission).

Submission:

Dasa
Classification: Uncertain significance. Last evaluated: 2026-03-16. Review status: criteria provided, single submitter. Criteria: DASA Assertion Criteria. Collection method: clinical testing. Allele origin: germline.
Comment: NM_001128840.3(CACNA1D):c.5657A>G (p.His1886Arg) is a missense variant that results in the substitution of histidine with arginine. This variant is rare in population databases. The currently available literature and clinical evidence are not sufficient to establish a definitive association between this variant and the reported condition. Therefore, this variant is classified as a variant of uncertain significance.

NM_001128840.3(CACNA1D):c.5657A>G (p.His1886Arg)

Gene: CACNA1D (calcium voltage-gated channel subunit alpha1 D; plus strand). Cytogenetic location: 3p21.1.
Variant type: single nucleotide variant.
Coding change: c.5657A>G on transcript NM_001128840.3 (MANE Select); coding-DNA position 5657, A replaced by G.
Protein change: p.His1886Arg; replaces histidine 1886 with arginine.
Molecular consequence: missense variant.
Genome position (GRCh38, 1-based): chr3:53,805,054, A>G. VCF-style: chr3-53805054-A-G. GRCh37 (hg19) VCF-style: chr3-53839081-A-G.
Other names: c.5717A>G, p.His1906Arg (NM_000720.4); c.5585A>G, p.His1862Arg (NM_001128839.3); short protein forms H1862R, H1886R, H1906R.
Identifiers: ClinVar variation 4882206 (VCV004882206.2).
Genomic context (GRCh38, chr3:53,805,054, plus strand): 5'-GCTACTACAGCAGATACCCAGGCAGAAACATCGACTCTGAGAGGCCCCGAGGCTACCATC[A>G]TCCCCAAGGATTCTTGGAGGACGATGACTCGCCCGTTTGCTATGATTCACGGAGATCTCC-3'
Protein context (NP_001122312.1, residues 1876-1896): IDSERPRGYH[His1886Arg]PQGFLEDDDS